The following is an entry in ClinVar:

ClinVar aggregate classification (germline): Uncertain significance (1 of 4 stars; one submission).

Submission:

Labcorp Genetics (formerly Invitae), Labcorp
Classification: Uncertain significance. Last evaluated: 2025-09-03. Review status: criteria provided, single submitter. Criteria: Invitae Variant Classification Sherloc (09022015). Collection method: clinical testing. Allele origin: germline.
Comment: This sequence change replaces lysine, which is basic and polar, with arginine, which is basic and polar, at codon 1810 of the CACNA1D protein (p.Lys1810Arg). This variant is not present in population databases (gnomAD no frequency). This variant has not been reported in the literature in individuals affected with CACNA1D-related conditions. An algorithm developed to predict the effect of missense changes on protein structure and function (PolyPhen-2) suggests that this variant is likely to be tolerated. Algorithms developed to predict the effect of sequence changes on RNA splicing suggest that this variant may create or strengthen a splice site. In summary, the available evidence is currently insufficient to determine the role of this variant in disease. Therefore, it has been classified as a Variant of Uncertain Significance.

NM_001128840.3(CACNA1D):c.5369A>G (p.Lys1790Arg)

Gene: CACNA1D (calcium voltage-gated channel subunit alpha1 D; plus strand). Cytogenetic location: 3p21.1.
Variant type: single nucleotide variant.
Coding change: c.5369A>G on transcript NM_001128840.3 (MANE Select); coding-DNA position 5369, A replaced by G.
Protein change: p.Lys1790Arg; replaces lysine 1790 with arginine.
Molecular consequence: missense variant.
Genome position (GRCh38, 1-based): chr3:53,801,386, A>G. VCF-style: chr3-53801386-A-G. GRCh37 (hg19) VCF-style: chr3-53835413-A-G.
Other names: c.5429A>G, p.Lys1810Arg (NM_000720.4); c.5324A>G, p.Lys1775Arg (NM_001128839.3); short protein forms K1775R, K1790R, K1810R.
Identifiers: ClinVar variation 4726592 (VCV004726592.1).